The following is an entry in ClinVar:

NM_152564.5(VPS13B):c.9331-21_9331-3del

Gene: VPS13B (vacuolar protein sorting 13 homolog B; plus strand). Cytogenetic location: 8q22.2.
Variant type: Deletion.
Coding change: c.9331-21_9331-3del on transcript NM_152564.5 (MANE Select); 21 bases into the intron before coding-DNA position 9331 through 3 bases into the intron before coding-DNA position 9331, 19 bases deleted (TTTTTTTTTTTTTTTTTTT).
Molecular consequence: intron variant.
Genome position (GRCh38, 1-based): chr8:99,832,348-99,832,366, TTTTTTTTTTTTTTTTTTT deleted; deleting any 19 consecutive bases within chr8:99,832,342-99,832,366 gives the same sequence; the c. name uses the placement nearest the transcript's 3' end. VCF-style (leftmost placement, unchanged base first): chr8-99832341-ATTTTTTTTTTTTTTTTTTT-A. GRCh37 (hg19) VCF-style: chr8-100844569-ATTTTTTTTTTTTTTTTTTT-A.
Other names: c.9406-21_9406-3del (NM_017890.5).
Identifiers: ClinVar variation 1477617 (VCV001477617.5), dbSNP rs370235149, ClinGen allele CA2573143603.

ClinVar aggregate classification (germline): Uncertain significance (1 of 4 stars; one submission).

Conditions:
Cohen syndrome (COH1). Also called: PEPPER SYNDROME; Cutis verticis gyrata, retinitis pigmentosa, and sensorineural deafness. Identifiers: Orphanet 193, MedGen C0265223, MONDO:0008999, OMIM 216550.

Submission:

Labcorp Genetics (formerly Invitae), Labcorp
Classification: Uncertain significance for Cohen syndrome. Last evaluated: 2021-09-01. Review status: criteria provided, single submitter. Criteria: Invitae Variant Classification Sherloc (09022015). Collection method: clinical testing. Allele origin: germline.
Comment: This sequence change falls in intron 51 of the VPS13B gene. It does not directly change the encoded amino acid sequence of the VPS13B protein. The frequency data for this variant in the population databases is considered unreliable, as metrics indicate insufficient coverage at this position in the ExAC database. This variant has not been reported in the literature in individuals affected with VPS13B-related conditions. Algorithms developed to predict the effect of sequence changes on RNA splicing suggest that this variant may disrupt the consensus splice site. In summary, the available evidence is currently insufficient to determine the role of this variant in disease. Therefore, it has been classified as a Variant of Uncertain Significance.